The following is an entry in ClinVar:

ClinVar aggregate classification (germline): Uncertain significance (1 of 4 stars; one submission).

Conditions:
Wiedemann-Steiner syndrome (WDSTS). Also called: Growth deficiency and mental retardation with facial dysmorphism. Identifiers: Orphanet 319182, MedGen C1854630, MONDO:0011518, OMIM 605130.

Submission:

MVZ Medizinische Genetik Mainz
Classification: Uncertain significance for Wiedemann-Steiner syndrome. Last evaluated: 2022-11-21. Review status: criteria provided, single submitter. Criteria: UK Practice Guidelines For Variant Classification V4 01 2020. Collection method: clinical testing. Allele origin: germline. Inheritance: Autosomal dominant inheritance. Affected: yes. Observed: 1 variant allele.
Comment: ACMG Criteria: PM2_SUP,PP2,PP3

NM_001197104.2(KMT2A):c.4763G>A (p.Cys1588Tyr)

Gene: KMT2A (lysine methyltransferase 2A; plus strand). Cytogenetic location: 11q23.3.
Variant type: single nucleotide variant.
Coding change: c.4763G>A on transcript NM_001197104.2 (MANE Select); coding-DNA position 4763, G replaced by A.
Protein change: p.Cys1588Tyr; replaces cysteine 1588 with tyrosine.
Molecular consequence: missense variant.
Genome position (GRCh38, 1-based): chr11:118,491,262, G>A. VCF-style: chr11-118491262-G-A. GRCh37 (hg19) VCF-style: chr11-118361977-G-A.
Other names: c.4862G>A, p.Cys1621Tyr (NM_001412597.1); c.4763G>A, p.Cys1588Tyr (NM_005933.4); short protein forms C1588Y, C1621Y.
Identifiers: ClinVar variation 3066327 (VCV003066327.1), dbSNP rs1555042404, ClinGen allele CA382834405.